The following is an entry in ClinVar:

ClinVar aggregate classification (germline): Uncertain significance (1 of 4 stars; one submission).

Submission:

Labcorp Genetics (formerly Invitae), Labcorp
Classification: Uncertain significance. Last evaluated: 2022-11-25. Review status: criteria provided, single submitter. Criteria: Invitae Variant Classification Sherloc (09022015). Collection method: clinical testing. Allele origin: germline.
Comment: This sequence change affects an acceptor splice site in intron 4 of the A2ML1 gene. It is expected to disrupt RNA splicing. Variants that disrupt the donor or acceptor splice site typically lead to a loss of protein function (PMID: 16199547), however the current clinical and genetic evidence is not sufficient to establish whether loss-of-function variants in A2ML1 cause disease. In summary, the available evidence is currently insufficient to determine the role of this variant in disease. Therefore, it has been classified as a Variant of Uncertain Significance. Algorithms developed to predict the effect of sequence changes on RNA splicing suggest that this variant may disrupt the consensus splice site. This variant has not been reported in the literature in individuals affected with A2ML1-related conditions. This variant is not present in population databases (gnomAD no frequency).

Literature cited by the submitters: PubMed 16199547.

NM_144670.6(A2ML1):c.463-2A>C

Gene: A2ML1 (alpha-2-macroglobulin like 1; plus strand). Cytogenetic location: 12p13.31.
Variant type: single nucleotide variant.
Coding change: c.463-2A>C on transcript NM_144670.6 (MANE Select); the canonical splice acceptor site of the intron before coding-DNA position 463, A replaced by C.
Molecular consequence: splice acceptor variant.
Genome position (GRCh38, 1-based): chr12:8,834,660, A>C. VCF-style: chr12-8834660-A-C. GRCh37 (hg19) VCF-style: chr12-8987256-A-C.
Identifiers: ClinVar variation 2802036 (VCV002802036.3), dbSNP rs1410846189, ClinGen allele CA383820654.
Genomic context (GRCh38, chr12:8,834,660, plus strand): 5'-GCAAACTTATTCTTATTGCTGTCAACCTTCTTTAACCCGCATTATCTGGTTTTCCTTTTC[A>C]GTACTCCATGGTGGAACTACAGGTAAGCGGAAGTTTCTTTCTCTTCTCTGTCAGTTGTGG-3'